The following is an entry in ClinVar:

NM_000492.4(CFTR):c.145C>G (p.Leu49Val)

Gene: CFTR (CF transmembrane conductance regulator; plus strand). Cytogenetic location: 7q31.2.
Variant type: single nucleotide variant.
Coding change: c.145C>G on transcript NM_000492.4 (MANE Select); coding-DNA position 145, C replaced by G.
Protein change: p.Leu49Val; replaces leucine 49 with valine.
Molecular consequence: missense variant.
Genome position (GRCh38, 1-based): chr7:117,504,344, C>G. VCF-style: chr7-117504344-C-G. GRCh37 (hg19) VCF-style: chr7-117144398-C-G.
Other names: short protein forms L49V.
Identifiers: ClinVar variation 3266679 (VCV003266679.1).

ClinVar aggregate classification (germline): Uncertain significance (1 of 4 stars; one submission).

Conditions:
Cystic fibrosis (CF). Also called: MUCOVISCIDOSIS. Identifiers: Orphanet 586, MedGen C0010674, MONDO:0009061, OMIM 219700. Disease mechanism: loss of function.

gnomAD v4.1: 2 of 1,589,954 alleles (0.00013%); highest among the groups gnomAD compares: African/African-American, 0.0013%; no homozygotes.

Submission:

Ambry Genetics
Classification: Uncertain significance for Cystic fibrosis. Last evaluated: 2024-05-17. Review status: criteria provided, single submitter. Criteria: Ambry Variant Classification Scheme 2023. Collection method: clinical testing. Allele origin: germline.
Comment: The p.L49V variant (also known as c.145C>G), located in coding exon 2 of the CFTR gene, results from a C to G substitution at nucleotide position 145. The leucine at codon 49 is replaced by valine, an amino acid with highly similar properties. This amino acid position is conserved. In addition, the in silico prediction for this alteration is inconclusive. Based on the available evidence, the clinical significance of this variant remains unclear.